The following is an entry in ClinVar:

ClinVar aggregate classification (germline): Uncertain significance. Review status: criteria provided, multiple submitters, no conflicts (2 of 4 stars). 3 submissions from 3 submitters: Uncertain significance (3). Last evaluated 2026-01-27.

Conditions:
Hereditary spastic paraplegia 7 (SPG7). Also called: Spastic paraplegia 7; Hereditary spastic paraplegia Paraplegin type; SPASTIC PARAPLEGIA 7, AUTOSOMAL RECESSIVE, WITH OR WITHOUT CEREBELLAR ATAXIA; Autosomal recessive spastic paraplegia type 7; SPG7-related neurologic disorder. Identifiers: Orphanet 99013, MedGen C1846564, MONDO:0011803, OMIM 607259.
Hereditary spastic paraplegia. Also called: Familial spastic paraparesis. Identifiers: Orphanet 685, MedGen C0037773, MONDO:0019064. Disease mechanism: loss of function.

Allele frequency attached by ClinVar (database versions not stated): ESP Exome Variant Server 0.00008.

Submissions (3):

Labcorp Genetics (formerly Invitae), Labcorp
Classification: Uncertain significance for Hereditary spastic paraplegia 7. Last evaluated: 2026-01-27. Review status: criteria provided, single submitter. Criteria: Invitae Variant Classification Sherloc (09022015). Collection method: clinical testing. Allele origin: germline.
Comment: This sequence change replaces threonine, which is neutral and polar, with arginine, which is basic and polar, at codon 481 of the SPG7 protein (p.Thr481Arg). This variant is present in population databases (rs376713807, gnomAD 0.004%). This variant has not been reported in the literature in individuals affected with SPG7-related conditions. ClinVar contains an entry for this variant (Variation ID: 1344128). Invitae Evidence Modeling of protein sequence and biophysical properties (such as structural, functional, and spatial information, amino acid conservation, physicochemical variation, residue mobility, and thermodynamic stability) indicates that this missense variant is expected to disrupt SPG7 protein function with a positive predictive value of 80%. In summary, the available evidence is currently insufficient to determine the role of this variant in disease. Therefore, it has been classified as a Variant of Uncertain Significance.

Athena Diagnostics
Classification: Uncertain significance. Last evaluated: 2025-04-04. Review status: criteria provided, single submitter. Criteria: Athena Diagnostics Criteria. Collection method: clinical testing. Allele origin: unknown.
Comment: Available data are insufficient to determine the clinical significance of the variant at this time. The frequency of this variant in the general population is uninformative in assessment of its pathogenicity. Polyphen and MutationTaster predict this amino acid change may be damaging to the protein. The variant is located in a region that is considered important for protein function and/or structure.

Genome Diagnostics Laboratory, The Hospital for Sick Children
Classification: Uncertain significance for Hereditary spastic paraplegia. Last evaluated: 2017-05-29. Review status: criteria provided, single submitter. Criteria: ACMG Guidelines, 2015. Collection method: clinical testing. Allele origin: germline. Affected: yes.

NM_003119.4(SPG7):c.1442C>G (p.Thr481Arg)

Gene: SPG7 (SPG7 matrix AAA peptidase subunit, paraplegin; plus strand). Cytogenetic location: 16q24.3.
Variant type: single nucleotide variant.
Coding change: c.1442C>G on transcript NM_003119.4 (MANE Select); coding-DNA position 1442, C replaced by G.
Protein change: p.Thr481Arg; replaces threonine 481 with arginine.
Molecular consequence: missense variant.
Genome position (GRCh38, 1-based): chr16:89,544,765, C>G. VCF-style: chr16-89544765-C-G. GRCh37 (hg19) VCF-style: chr16-89611173-C-G.
Other names: c.1442C>G, p.Thr481Arg (NM_001363850.1); c.1442C>G (NM_003119.2); short protein forms T481R.
Identifiers: ClinVar variation 1344128 (VCV001344128.5), dbSNP rs376713807, ClinGen allele CA8244173.
Genomic context (GRCh38, chr16:89,544,765, plus strand): 5'-TGGACGGTGCTCTGATGAGGCCAGGCCGACTGGACCGGCACGTCTTCATTGATCTCCCCA[C>G]GCTGCAGGTCAGAGCCAGGATCCCAGCCTCTCCCACTCCACCTGGGCCGCCCCCACTCGC-3'
Protein context (NP_003110.1, residues 471-491): LDRHVFIDLP[Thr481Arg]LQERREIFEQ